The following is an entry in ClinVar:

NM_000455.5(STK11):c.27G>A (p.Leu9=)

Gene: STK11 (serine/threonine kinase 11; plus strand). Cytogenetic location: 19p13.3.
Variant type: single nucleotide variant.
Coding change: c.27G>A on transcript NM_000455.5 (MANE Select); coding-DNA position 27, G replaced by A.
Protein change: p.Leu9=; no amino-acid change (leucine 9 retained).
Molecular consequence: synonymous variant.
Genome position (GRCh38, 1-based): chr19:1,206,940, G>A. VCF-style: chr19-1206940-G-A. GRCh37 (hg19) VCF-style: chr19-1206939-G-A.
Identifiers: ClinVar variation 1332451 (VCV001332451.13), dbSNP rs876659432, ClinGen allele CA504706074.
Genomic context (GRCh38, chr19:1,206,940, plus strand): 5'-GCTGGCGGCGGGACTCCAGGACCCTGGGTCCAGCATGGAGGTGGTGGACCCGCAGCAGCT[G>A]GGCATGTTCACGGAGGGCGAGCTGATGTCGGTGGGTATGGACACGTTCATCCACCGCATC-3'
Protein context (NP_000446.1, residues 1-19): MEVVDPQQ[Leu9=]GMFTEGELMS

ClinVar aggregate classification (germline): Benign/Likely benign. Review status: criteria provided, multiple submitters, no conflicts (2 of 4 stars). 5 submissions from 5 submitters: Benign (1); Likely benign (4). Last evaluated 2025-08-18.

Conditions:
Hereditary cancer-predisposing syndrome. Also called: Hereditary Cancer Syndrome; Hereditary neoplastic syndrome; Neoplastic Syndromes, Hereditary; Tumor predisposition. Identifiers: Orphanet 140162, MedGen C0027672, MeSH D009386, MONDO:0015356.
Peutz-Jeghers syndrome (PJS). Also called: POLYPOSIS, HAMARTOMATOUS INTESTINAL; POLYPS-AND-SPOTS SYNDROME; Peutz-Jeghers polyposis; Periorificial lentiginosis syndrome. Identifiers: Orphanet 2869, MedGen C0031269, MeSH D010580, MONDO:0008280, OMIM 175200.

Submissions (5):

Labcorp Genetics (formerly Invitae), Labcorp
Classification: Likely benign for Peutz-Jeghers syndrome. Last evaluated: 2025-08-18. Review status: criteria provided, single submitter. Criteria: Invitae Variant Classification Sherloc (09022015). Collection method: clinical testing. Allele origin: germline.

Myriad Genetics, Inc.
Classification: Benign for Peutz-Jeghers syndrome. Last evaluated: 2025-03-24. Review status: criteria provided, single submitter. Criteria: Myriad Autosomal Dominant, Autosomal Recessive and X-Linked Classification Criteria (2023). Collection method: clinical testing. Allele origin: unknown.
Comment: This variant is considered benign. This variant is a silent/synonymous amino acid change and it is not expected to impact splicing.

All of Us Research Program, National Institutes of Health
Classification: Likely benign for Peutz-Jeghers syndrome. Last evaluated: 2023-10-30. Review status: criteria provided, single submitter. Criteria: ACMG Guidelines, 2015. Collection method: clinical testing. Allele origin: germline. Inheritance: Autosomal dominant inheritance. Observed: 1 variant allele, 1 heterozygote.
Comment: This study involves interpretation of variants in research participants for the purpose of population health screening. Participant phenotype was not available at the time of variant classification. Additional details can be found in publication PMID: 35346344, PMCID: PMC8962531

Ambry Genetics
Classification: Likely benign for Hereditary cancer-predisposing syndrome. Last evaluated: 2023-01-21. Review status: criteria provided, single submitter. Criteria: Ambry Variant Classification Scheme 2023. Collection method: clinical testing. Allele origin: germline.

Color Diagnostics, LLC DBA Color Health
Classification: Likely benign for Hereditary cancer-predisposing syndrome. Last evaluated: 2021-06-27. Review status: criteria provided, single submitter. Criteria: ACMG Guidelines, 2015. Collection method: clinical testing. Allele origin: germline.